The following is an entry in ClinVar:

ClinVar aggregate classification (germline): Uncertain significance (1 of 4 stars; one submission).

gnomAD v4.1: 1 of 1,610,444 alleles (0.000062%); highest among the groups gnomAD compares: Non-Finnish European, 0.000085%; no homozygotes.

Submission:

Labcorp Genetics (formerly Invitae), Labcorp
Classification: Uncertain significance. Last evaluated: 2025-02-08. Review status: criteria provided, single submitter. Criteria: Invitae Variant Classification Sherloc (09022015). Collection method: clinical testing. Allele origin: germline.
Comment: This sequence change replaces aspartic acid, which is acidic and polar, with glycine, which is neutral and non-polar, at codon 181 of the IFT57 protein (p.Asp181Gly). This variant is present in population databases (no rsID available, gnomAD 0.007%). This variant has not been reported in the literature in individuals affected with IFT57-related conditions. An algorithm developed to predict the effect of missense changes on protein structure and function (PolyPhen-2) suggests that this variant is likely to be disruptive. In summary, the available evidence is currently insufficient to determine the role of this variant in disease. Therefore, it has been classified as a Variant of Uncertain Significance.

NM_018010.4(IFT57):c.542A>G (p.Asp181Gly)

Gene: IFT57 (intraflagellar transport 57; minus strand). Cytogenetic location: 3q13.13.
Variant type: single nucleotide variant.
Coding change: c.542A>G on transcript NM_018010.4 (MANE Select); coding-DNA position 542, A replaced by G.
Protein change: p.Asp181Gly; replaces aspartic acid 181 with glycine.
Molecular consequence: missense variant.
Genome position (GRCh38, 1-based): chr3:108,213,974, T>C on the plus strand (A>G on the coding strand, the complement: IFT57 is on the minus strand). VCF-style: chr3-108213974-T-C. GRCh37 (hg19) VCF-style: chr3-107932821-T-C.
Other names: short protein forms D181G.
Identifiers: ClinVar variation 4712603 (VCV004712603.1).